The following is an entry in ClinVar:

ClinVar aggregate classification (germline): Pathogenic/Likely pathogenic. Review status: criteria provided, multiple submitters, no conflicts (2 of 4 stars). 4 submissions from 4 submitters: Pathogenic (2); Likely pathogenic (2). Last evaluated 2025-08-14.

Conditions:
Autosomal recessive polycystic kidney disease (ARPKD). Also called: AR polycystic kidney disease. Identifiers: Orphanet 731, Orphanet 8378, MedGen C0085548, MeSH D017044, MONDO:0009889.
Polycystic kidney disease 4 (PKD4). Also called: POLYCYSTIC KIDNEY AND HEPATIC DISEASE 1; POLYCYSTIC KIDNEY DISEASE, INFANTILE, TYPE I; PKD3; POLYCYSTIC KIDNEY DISEASE 4 WITH OR WITHOUT POLYCYSTIC LIVER DISEASE; Autosomal Recessive Polycystic Kidney Disease – PKHD1. Identifiers: MedGen C4540575, MONDO:0033004, OMIM 263200.

Submissions (4):

Natera, Inc.
Classification: Likely pathogenic for Autosomal recessive polycystic kidney disease. Last evaluated: 2025-08-14. Review status: criteria provided, single submitter. Criteria: Natera Variant Classification Schema (03/2026). Collection method: clinical testing. Allele origin: germline.
Comment: The c.7005_7006del variant in PKHD1 is a frameshift variant predicted to shift the reading frame beginning at codon 2335 and leads to a stop codon 43 codons downstream. This variant is expected to result in nonsense mediated decay, truncation, or a dysfunctional protein product. This variant is rare in the general population with a frequency below the threshold expected for the associated phenotype(s). Given the available evidence, this variant is classified as Likely Pathogenic.

Myriad Genetics, Inc.
Classification: Pathogenic for Polycystic kidney disease 4. Last evaluated: 2024-05-25. Review status: criteria provided, single submitter. Criteria: Myriad Autosomal Dominant, Autosomal Recessive and X-Linked Classification Criteria (2023). Collection method: clinical testing. Allele origin: unknown.
Comment: NM_138694.3(PKHD1):c.7005_7006delAG(R2335Sfs*43) is expected to be pathogenic in the context of autosomal recessive polycystic kidney disease, PKHD1-related. This variant is predicted to lead to an abnormal or absent protein product due to the creation of a premature termination codon in PKHD1, a gene where loss-of-function variants are known to be pathogenic. Please note: this variant was assessed in the context of healthy population screening.

Women's Health and Genetics/Laboratory Corporation of America, LabCorp
Classification: Pathogenic for Autosomal recessive polycystic kidney disease. Last evaluated: 2023-12-13. Review status: criteria provided, single submitter. Criteria: LabCorp Variant Classification Summary - May 2015. Collection method: clinical testing. Allele origin: germline.
Comment: Variant summary: PKHD1 c.7005_7006delAG (p.Arg2335SerfsX43) results in a premature termination codon, predicted to cause a truncation of the encoded protein or absence of the protein due to nonsense mediated decay, which are commonly known mechanisms for disease. The variant was absent in 251378 control chromosomes. To our knowledge, no occurrence of c.7005_7006delAG in individuals affected with Polycystic Kidney And Hepatic Disease and no experimental evidence demonstrating its impact on protein function have been reported. No submitters have cited clinical-significance assessments for this variant to ClinVar after 2014. Based on the evidence outlined above, the variant was classified as pathogenic.

Baylor Genetics
Classification: Likely pathogenic for Polycystic kidney disease 4. Last evaluated: 2022-04-21. Review status: criteria provided, single submitter. Criteria: ACMG Guidelines, 2015. Collection method: clinical testing. Allele origin: unknown.

NM_138694.4(PKHD1):c.7005_7006del (p.Arg2335fs)

Gene: PKHD1 (PKHD1 ciliary IPT domain containing fibrocystin/polyductin; minus strand). Cytogenetic location: 6p12.2.
Variant type: Microsatellite.
Coding change: c.7005_7006del on transcript NM_138694.4 (MANE Select); coding-DNA positions 7005 to 7006, 2 bases deleted (AG; older notation c.7005_7006delAG).
Protein change: p.Arg2335fs; shifts the reading frame from arginine 2335.
Molecular consequence: frameshift variant.
Genome position (GRCh38, 1-based): chr6:51,887,236-51,887,237, CT deleted on the plus strand (AG on the coding strand, the reverse complement: PKHD1 is on the minus strand); deleting any 2 consecutive bases within chr6:51,887,236-51,887,239 gives the same sequence; the c. name uses the placement nearest the transcript's 3' end. VCF-style (leftmost placement, unchanged base first): chr6-51887235-ACT-A. GRCh37 (hg19) VCF-style: chr6-51752033-ACT-A.
Other names: c.7005_7006delAG (NM_138694.4); c.7005_7006del (NM_138694.3); c.7005_7006del, p.Arg2335fs (NM_170724.3); short protein forms R2335fs.
Identifiers: ClinVar variation 2677870 (VCV002677870.4), dbSNP rs2536254489, ClinGen allele CA2695198843.